The following is an entry in ClinVar:

NM_018051.5(DYNC2I1):c.1293C>T (p.Gly431=)

Gene: DYNC2I1 (dynein 2 intermediate chain 1; plus strand). Cytogenetic location: 7q36.3.
Variant type: single nucleotide variant.
Coding change: c.1293C>T on transcript NM_018051.5 (MANE Select); coding-DNA position 1293, C replaced by T.
Protein change: p.Gly431=; no amino-acid change (glycine 431 retained).
Molecular consequence: synonymous variant. On other transcripts: 5 prime UTR variant (3).
Genome position (GRCh38, 1-based): chr7:158,902,531, C>T. VCF-style: chr7-158902531-C-T. GRCh37 (hg19) VCF-style: chr7-158695222-C-T.
Other names: c.1155C>T, p.Gly385= (NM_001350914.2); c.720C>T, p.Gly240= (NM_001350915.2); c.-66C>T (NM_001350916.2); c.-74C>T (NM_001350917.2, NM_001350918.2).
Identifiers: ClinVar variation 1680669 (VCV001680669.3), dbSNP rs369015842, ClinGen allele CA4594566.

ClinVar aggregate classification (germline): Uncertain significance (1 of 4 stars; one submission).

Conditions:
Short-rib thoracic dysplasia 8 with or without polydactyly (SRTD8). Also called: SHORT-RIB THORACIC DYSPLASIA 8 WITH POLYDACTYLY. Identifiers: Orphanet 93271, MedGen C3809691, MONDO:0014214, OMIM 615503.

Allele frequency attached by ClinVar (database versions not stated): gnomAD exomes 0.00003; gnomAD 0.00004; ExAC 0.00003; TOPMed 0.00005; ESP Exome Variant Server 0.00008.
gnomAD v4.1: 62 of 1,613,848 alleles (0.0038%); highest among the groups gnomAD compares: Middle Eastern, 0.016%; no homozygotes.

Submission:

Labcorp Genetics (formerly Invitae), Labcorp
Classification: Uncertain significance for Short-rib thoracic dysplasia 8 with or without polydactyly. Last evaluated: 2021-11-17. Review status: criteria provided, single submitter. Criteria: Invitae Variant Classification Sherloc (09022015). Collection method: clinical testing. Allele origin: germline.
Comment: This sequence change affects codon 431 of the WDR60 mRNA. It is a 'silent' change, meaning that it does not change the encoded amino acid sequence of the WDR60 protein. This variant is present in population databases (rs369015842, gnomAD 0.006%). This variant has not been reported in the literature in individuals affected with WDR60-related conditions. Algorithms developed to predict the effect of sequence changes on RNA splicing suggest that this variant may create or strengthen a splice site. In summary, the available evidence is currently insufficient to determine the role of this variant in disease. Therefore, it has been classified as a Variant of Uncertain Significance.